The following is an entry in ClinVar:

ClinVar aggregate classification (germline): Likely pathogenic (3 of 4 stars; one submission).

Conditions:
Monogenic diabetes. Identifiers: Orphanet 183625, MedGen C3888631, MONDO:0015967.

Submission:

ClinGen Monogenic Diabetes Variant Curation Expert Panel
Classification: Likely pathogenic for Monogenic diabetes. Last evaluated: 2025-01-29. Review status: reviewed by expert panel. Criteria: ClinGen Diabetes ACMG Specifications HNF1A V2.1.0. Collection method: curation. Allele origin: germline. Inheritance: Autosomal dominant inheritance.
Comment: The c.346G>A variant in the HNF1 homeobox A gene, HNF1A, causes an amino acid change of alanine to threonine at codon 116 (p.(Ala116Thr)) of NM_000545.8. This variant is located within a conserved region of the DNA binding domain (codons 107-174 and 201-280) of HNF1A, which is defined as critical for the protein’s function by the ClinGen MDEP (PM1_Supporting). This variant is absent from gnomAD v2.1.1 (PM2_Supporting). This variant is predicted to be deleterious by computational evidence, with a REVEL score of 0.968, which is greater than the MDEP VCEP threshold of 0.70 (PP3). This variant was identified in three unrelated individuals with non- autoimmune and non-absolute/near-absolute insulin-deficient diabetes; however, PS4_Moderate cannot be applied because this number is below the ClinGen MDEP threshold (PMID: 18003757, internal lab contributors). This variant segregated with diabetes, with three informative meioses in two families (PP1_Moderate; internal lab contributors). Another missense variant, c.347C>T (p.Ala116Val), has been classified as pathogenic by the ClinGen MDEP but has a greater Grantham distance than p.Ala116Thr (PM5_Supporting). In summary, c.346G>A meets the criteria to be classified as likely pathogenic for monogenic diabetes. ACMG/AMP criteria applied, as specified by the ClinGen MDEP (specification version 2.1.0, approved 8/11/2023): PM1_Supporting, PM2_Supporting, PP3, PP1_Moderate, PM5_Supporting.

NM_000545.8(HNF1A):c.346G>A (p.Ala116Thr)

Gene: HNF1A (HNF1 homeobox A; plus strand). Cytogenetic location: 12q24.31.
Variant type: single nucleotide variant.
Coding change: c.346G>A on transcript NM_000545.8 (MANE Select); coding-DNA position 346, G replaced by A.
Protein change: p.Ala116Thr; replaces alanine 116 with threonine.
Molecular consequence: missense variant.
Genome position (GRCh38, 1-based): chr12:120,988,852, G>A. VCF-style: chr12-120988852-G-A. GRCh37 (hg19) VCF-style: chr12-121426655-G-A.
Other names: NM_001306179.2:c.346G>A; c.346G>A, p.Ala116Thr (NM_001306179.2, NM_001406915.1); short protein forms A116T.
Identifiers: ClinVar variation 3602129 (VCV003602129.1).